The following is an entry in ClinVar:

ClinVar aggregate classification (germline): Likely benign. Review status: criteria provided, single submitter (1 of 4 stars). 4 submissions from 2 submitters: Likely benign (1). 3 of the submissions do not count toward it. Last evaluated 2025-04-30.

Conditions:
HEMOGLOBIN J (OXFORD).
HEMOGLOBIN I (INTERLAKEN).
HEMOGLOBIN N (COSENZA).

Submissions (4):

ARUP Laboratories, Molecular Genetics and Genomics, ARUP Laboratories
Classification: Likely benign. Last evaluated: 2025-04-30. Review status: criteria provided, single submitter. Criteria: ARUP Molecular Germline Variant Investigation Process 2024. Collection method: clinical testing. Allele origin: germline.
Comment: The Hb I-Interlaken variant (HBA2: c.47G>A; p.Gly16Asp, also known as Hb J-Oxford and Hb N-Cosenza and as Gly15Asp when numbered from the mature protein, rs34956202, HbVar ID: 17) is a stable hemoglobin reported heterozygous in the literature in multiple clinically and hematologically normal individuals (See HbVar and references therein). This variant is absent from the Genome Aggregation Database (v2.1.1), indicating it is not a common polymorphism. Computational analyses are uncertain whether this variant is neutral or deleterious (REVEL: 0.519). Based on available information, this variant is considered to be likely benign. References: Link to HbVar database

OMIM
Classification: other for HEMOGLOBIN J (OXFORD). Last evaluated: 2016-10-13. Review status: no assertion criteria provided. Collection method: literature only. Allele origin: germline. Not counted in ClinVar's aggregate classification.

OMIM
Classification: other for HEMOGLOBIN I (INTERLAKEN). Last evaluated: 2016-10-13. Review status: no assertion criteria provided. Collection method: literature only. Allele origin: germline. Not counted in ClinVar's aggregate classification.

OMIM
Classification: other for HEMOGLOBIN N (COSENZA). Last evaluated: 2016-10-13. Review status: no assertion criteria provided. Collection method: literature only. Allele origin: germline. Not counted in ClinVar's aggregate classification.

Literature cited by the submitters: PubMed 14212426 (cited by OMIM); PubMed 14204459 (cited by OMIM); Silvestroni, E., Bianco, I., Tentori, L., Vivaldi, G., Carta, S., Sorcini, M., Brancati, C. The structural abnormality of Hb N in a family from Cosenza. In: Proceedings of the 10th Congress of the European Society of Hematology, Strasbourg, 1965. Part II. : Basel and New York: S. Karger (pub.) 232-237, 1967. (cited by OMIM); PubMed 6469697 (cited by OMIM); PubMed 2752146 (cited by OMIM).

NM_000517.4(HBA2):c.47G>A (p.Gly16Asp)

Genes: HBA2 (hemoglobin subunit alpha 2; plus strand), LOC106804612 (hemoglobin subunit alpha 2 recombination region; plus strand). Cytogenetic location: 16p13.3.
Variant type: single nucleotide variant.
Coding change: c.47G>A on transcript NM_000517.4; coding-DNA position 47, G replaced by A.
Protein change: p.Gly16Asp; replaces glycine 16 with aspartic acid.
Molecular consequence: missense variant (on NM_000517.6).
Genome position (GRCh38, 1-based): chr16:172,959, G>A. VCF-style: chr16-172959-G-A. GRCh37 (hg19) VCF-style: chr16-222958-G-A.
Other names: G15D; Hb J-Oxford; Hb N-Cosenza; c.47G>A, p.Gly16Asp (NM_000517.6); short protein forms G16D.
Identifiers: ClinVar variation 15634 (VCV000015634.4), dbSNP rs34956202, ClinGen allele CA125565.